The following is an entry in ClinVar:

ClinVar aggregate classification (germline): Pathogenic/Likely pathogenic. Review status: criteria provided, multiple submitters, no conflicts (2 of 4 stars). 6 submissions from 6 submitters: Pathogenic (1); Likely pathogenic (4). 1 of the submissions does not count toward it. Last evaluated 2025-05-19.

Conditions:
Rare genetic deafness. Identifiers: Orphanet 96210, MedGen C5680250.
Autosomal recessive nonsyndromic hearing loss 23. Identifiers: Orphanet 90636, MedGen C1836027, MONDO:0012293, OMIM 609533.
Usher syndrome type 1F (USH1F). Also called: USHER SYNDROME, TYPE IF. Identifiers: Orphanet 231169, Orphanet 886, MedGen C1865885, MONDO:0011186, OMIM 602083.

gnomAD v4.1: 1 of 1,612,862 alleles (0.000062%); highest among the groups gnomAD compares: South Asian, 0.0011%; no homozygotes.

Submissions (6):

Myriad Genetics, Inc.
Classification: Likely pathogenic for Usher syndrome type 1F. Last evaluated: 2025-05-19. Review status: criteria provided, single submitter. Criteria: Myriad Autosomal Dominant, Autosomal Recessive and X-Linked Classification Criteria (2023). Collection method: clinical testing. Allele origin: unknown.
Comment: NM_033056.3(PCDH15):c.400C>G(R134G) is a missense variant classified as likely pathogenic in the context of PCDH15-related disorders. R134G has been observed in cases with relevant disease (PMID: 14570705, 18719945, 27743452, 30303587). Relevant functional assessments of this variant are not available in the literature. R134G has not been observed in referenced population frequency databases. In summary, NM_033056.3(PCDH15):c.400C>G(R134G) is a missense variant that has been observed more frequently in cases with the relevant disease than in healthy populations. Please note: this variant was assessed in the context of healthy population screening.

Natera, Inc.
Classification: Likely pathogenic for Usher syndrome type 1F. Last evaluated: 2024-09-14. Review status: criteria provided, single submitter. Criteria: Natera Variant Classification Schema (03/2026). Collection method: clinical testing. Allele origin: germline.
Comment: The c.400C>G variant in PCDH15 is a missense variant predicted to cause substitution of arginine to glycine at amino acid 134. This variant is rare in the general population with a frequency below the threshold expected for the associated phenotype(s). This variant has been observed in one or more individuals affected with the associated recessive disease, as either homozygous or compound heterozygous with a second variant (PMID: 14570705). Additionally, this variant has been observed to segregate in affected family members (PMID: 18719945). A different variant at the same position has been determined to be Pathogenic or Likely Pathogenic. Computational prediction algorithms indicate this variant is likely to affect gene or protein function. Given the available evidence, this variant is classified as Likely Pathogenic.

Women's Health and Genetics/Laboratory Corporation of America, LabCorp
Classification: Pathogenic for Usher syndrome type 1F. Last evaluated: 2023-05-19. Review status: criteria provided, single submitter. Criteria: LabCorp Variant Classification Summary - May 2015. Collection method: clinical testing. Allele origin: germline.
Comment: Variant summary: PCDH15 c.400C>G (p.Arg134Gly) results in a non-conservative amino acid change located in the Cadherin-like (IPR002126) of the encoded protein sequence. Four of five in-silico tools predict a damaging effect of the variant on protein function. The variant was absent in 250744 control chromosomes. c.400C>G has been reported in the literature in multiple individuals affected with nonsyndromic hearing loss DFNB23 or Usher Syndrome Type 1F (examples: Ahmed_2008, Kletke_2015). These data indicate that the variant is very likely to be associated with disease. The following publications have been ascertained in the context of this evaluation (PMID: 18719945, 27743452). No clinical diagnostic laboratories have submitted clinical-significance assessments for this variant to ClinVar after 2014. Based on the evidence outlined above, the variant was classified as pathogenic.

Baylor Genetics
Classification: Likely pathogenic for Autosomal recessive nonsyndromic hearing loss 23. Last evaluated: 2023-03-11. Review status: criteria provided, single submitter. Criteria: ACMG Guidelines, 2015. Collection method: clinical testing. Allele origin: unknown.

Laboratory for Molecular Medicine, Mass General Brigham Personalized Medicine
Classification: Likely pathogenic for Rare genetic deafness. Last evaluated: 2013-12-15. Review status: criteria provided, single submitter. Criteria: LMM Criteria. Collection method: clinical testing. Allele origin: germline. Inheritance: Autosomal recessive inheritance. Observed: 3 variant alleles.
Comment: The Arg134Gly variant in PCDH15 has been previously identified in 2 unrelated Pa kistani individuals with nonsyndromic hearing loss, both of whom were homozygous , and was absent in 500 ethnically matched chromosomes (Ahmed 2003, Ahmed 2008). In addition, the variant segregated in 4 affected family members, and all affec ted individuals were reported to have hearing loss and normal electroretinograms (Ahmed 2003, Ahmed 2008). Computational analyses (biochemical amino acid proper ties, conservation, AlignGVGD, PolyPhen2, and SIFT) do not provide strong suppor t for or against an impact to the protein. In summary, this variant is likely to be pathogenic, though additional familial or functional studies are required to fully establish its clinical significance.

OMIM
Classification: Pathogenic for DEAFNESS, AUTOSOMAL RECESSIVE 23. Last evaluated: 2003-12-15. Review status: no assertion criteria provided. Collection method: literature only. Allele origin: germline. Not counted in ClinVar's aggregate classification.

Literature cited by the submitters: PubMed 14570705 (cited by 4 submitters); PubMed 18719945 (cited by 4 submitters); PubMed 27743452 (cited by Myriad Genetics, Inc. and Women's Health and Genetics/Laboratory Corporation of America, LabCorp); PubMed 30303587 (cited by Myriad Genetics, Inc.).

NM_001384140.1(PCDH15):c.400C>G (p.Arg134Gly)

Gene: PCDH15 (protocadherin related 15; minus strand). Cytogenetic location: 10q21.1.
Variant type: single nucleotide variant.
Coding change: c.400C>G on transcript NM_001384140.1 (MANE Select); coding-DNA position 400, C replaced by G.
Protein change: p.Arg134Gly; replaces arginine 134 with glycine.
Molecular consequence: missense variant.
Genome position (GRCh38, 1-based): chr10:54,369,194, G>C on the plus strand (C>G on the coding strand, the complement: PCDH15 is on the minus strand). VCF-style: chr10-54369194-G-C. GRCh37 (hg19) VCF-style: chr10-56128954-G-C.
Other names: c.415C>G, p.Arg139Gly (NM_001142763.2, NM_001142769.4, NM_001142771.2); c.400C>G, p.Arg134Gly (NM_001142764.2, NM_001142765.2, NM_001142766.2 and 8 more transcripts); c.334C>G, p.Arg112Gly (NM_001142768.2, NM_001142773.2, NM_001354404.2); short protein forms R134G, R112G, R139G.
Identifiers: ClinVar variation 4936 (VCV000004936.9), dbSNP rs137853003, ClinGen allele CA253346.